The following continues an entry in ClinVar:

NM_007194.4(CHEK2):c.1420C>T (p.Arg474Cys)

Gene: CHEK2. ClinVar aggregate classification (germline): Conflicting classifications of pathogenicity. Likely pathogenic (7); Uncertain significance (13).

Submissions 7 to 20 of 24:

CeGaT Center for Human Genetics Tuebingen
Classification: Likely pathogenic. Last evaluated: 2025-06-01. Review status: criteria provided, single submitter. Criteria: CeGaT Center For Human Genetics Tuebingen Variant Classification Criteria Version 2. Collection method: clinical testing. Allele origin: germline. Affected: yes. Observed: 3 variant alleles.
Comment: CHEK2: PS3, PM1, PS4:Moderate, PM5:Supporting

Color Diagnostics, LLC DBA Color Health
Classification: Uncertain significance for Hereditary cancer-predisposing syndrome. Last evaluated: 2025-03-24. Review status: criteria provided, single submitter. Criteria: ACMG Guidelines, 2015. Collection method: clinical testing. Allele origin: germline.
Comment: This missense variant replaces arginine with cysteine at codon 474 of the CHEK2 protein. This variant impacts a highly conserved arginine in the kinase domain of the protein (PMID: 15060014, 19782031). Computational prediction suggests that this variant may have deleterious impact on protein structure and function. Functional studies have reported that this variant may impact CHEK2 kinase activity and DNA damage response (PMID: 30851065, 37449874). This variant has been reported in individuals affected with breast cancer (PMID: 28580595, 29522266, 30287823, 30426508, 34991090) and is found in breast cancer case-control meta-analyses in (PMID: 33471991, 37449874) but the finding have yet to achieve statistical significance. This variant has been identified in 4/233784 chromosomes in the general population by the Genome Aggregation Database (gnomAD). The available evidence is insufficient to determine the role of this variant in disease conclusively. Therefore, this variant is classified as a Variant of Uncertain Significance.

Center for Genomic Medicine, Rigshospitalet, Copenhagen University Hospital
Classification: Likely pathogenic. Last evaluated: 2025-03-04. Review status: criteria provided, single submitter. Criteria: ACMG Guidelines, 2015. Collection method: clinical testing. Allele origin: germline.

KCCC/NGS Laboratory, Kuwait Cancer Control Center
Classification: Uncertain significance for CHEK2-related cancer predisposition. Last evaluated: 2025-01-06. Review status: criteria provided, single submitter. Criteria: ACMG Guidelines, 2015. Collection method: clinical testing. Allele origin: germline. Inheritance: Autosomal dominant inheritance. Affected: yes. Observed: 1 heterozygote.
Comment: This sequence change replaces arginine, which is basic and polar, with cysteine, which is neutral and slightly polar, at codon 474 of the CHEK2 protein (p.Arg474Cys). This variant is present in population databases (rs540635787, gnomAD 0.003%). This amino acid position is highly conserved. This missense change has been observed in individual(s) with breast cancer, lung cancer, Lynch syndrome-associated cancer(s), and/or prostate cancer (PMID: 25980754, 27900359, 28580595, 29520813, 30287823, 30426508, 33309985). This variant is also known as c.1549C>T (p.Arg517Cys). ClinVar contains an entry for this variant (Variation ID: 128059) with nine submission as Uncertain significance and four submission as likely pathogenic. In addition, this alteration is predicted to be deleterious by in silico analysis. In summary, the available evidence is currently insufficient to determine the role of this variant in disease. Therefore, it has been classified as a Variant of Uncertain Significance.

Molecular Diagnostics Laboratory, Catalan Institute of Oncology
Classification: Likely pathogenic for Hereditary cancer-predisposing syndrome. Last evaluated: 2024-09-22. Review status: criteria provided, single submitter. Criteria: ACMG Guidelines, 2015. Collection method: clinical testing. Allele origin: germline.
Comment: PS3, PM1, PM2_Supporting c.1420C>T,  located in exon 13 of the CHEK2 gene, is predicted to result in the substitution of arginine to cysteine at codon 474, p.(Arg474Cys).This variant affects a highly conserved amino acid of the kinase-domain (226-486 aa)(PM1). This variant is found in 4/253791 at a frequency of 0.0026% in the gnomAD v2.1.1 database (European non-Finnish non-cancer data set)(PM2_Supporting). The SpliceAI algorithm predicts no significant impact on splicing and the REVEL meta-predictor score (0.903) for this variant suggests a deleterious effect on protein function according Pejaver 2022 thresholds (PMID: 36413997). The variant is present in ClinVar (11x uncertain significance, 6x likely pathogenic) and LOVD (3x VUS, 2x not classified) databases. Experimental studies showed a pathogenic effect on KAP1 phosphorylation intensity and an deleterious effect on autophosphorylation of CHK2 in in human RPE1-CHEK2-knockout cells (PMID: 30851065, PMID: 37449874)(PS3). Moreover, other variant that disrupt this residue has been determined to be likely pathogenic, c.1421G>A; p.(Arg474His). Based on currently available information, the variant c.1420C>T is classified as a likely pathogenic variant according to ACMG guidelines.

Molecular Pathology, Peter Maccallum Cancer Centre
Classification: Uncertain significance for Familial cancer of breast. Last evaluated: 2024-05-30. Review status: criteria provided, single submitter. Criteria: ACMG Guidelines, 2015. Collection method: clinical testing. Allele origin: germline. Inheritance: Autosomal dominant inheritance.

Department of Pathology and Laboratory Medicine, Sinai Health System
Classification: Uncertain significance for CHEK2-related cancer predisposition. Last evaluated: 2024-04-22. Review status: criteria provided, single submitter. Criteria: ACMG Guidelines, 2015. Collection method: clinical testing. Allele origin: germline. Affected: yes.

Baylor Genetics
Classification: Uncertain significance for Familial cancer of breast. Last evaluated: 2024-02-12. Review status: criteria provided, single submitter. Criteria: ACMG Guidelines, 2015. Collection method: clinical testing. Allele origin: unknown.

Myriad Genetics, Inc.
Classification: Likely pathogenic for Familial cancer of breast. Last evaluated: 2023-06-28. Review status: criteria provided, single submitter. Criteria: Myriad Autosomal Dominant, Autosomal Recessive and X-Linked Classification Criteria (2023). Collection method: clinical testing. Allele origin: unknown.
Comment: This variant is considered likely pathogenic. Functional studies indicate this variant impacts protein function [PMID: 27900359]. This variant is strongly associated with more severe personal and family histories of cancer, typical for individuals with pathogenic variants in this gene [PMID: 25085752].

Blueprint Genetics
Classification: Uncertain significance. Last evaluated: 2023-03-07. Review status: criteria provided, single submitter. Criteria: ACMG Guidelines, 2015. Collection method: clinical testing. Allele origin: germline.

Quest Diagnostics Nichols Institute San Juan Capistrano
Classification: Uncertain significance. Last evaluated: 2022-11-04. Review status: criteria provided, single submitter. Criteria: Quest Diagnostics criteria. Collection method: clinical testing. Allele origin: unknown.
Comment: The frequency of this variant in the general population, 0.000028 (3/108758 chromosomes), is uninformative in assessment of its pathogenicity. In the published literature, the variant has been reported in individuals with breast cancer (PMIDs: 30426508 (2018), 30287823 (2018), 28580595 (2018), and 33471991 (2021)), prostate cancer (PMID: 29520813 (2018)), colorectal cancer (PMID: 33309985 (2020)), as well as in healthy individuals (PMIDs: 32980694 (2020), 33309985 (2020), and 33471991 (2021)). Additionally, the variant was reported in an individual with suspected Lynch Syndrome (PMID: 25980754 (2015)). Yeast-based and mammalian studies have reported that this variant may have a deleterious effect on CHEK2 protein function. Further studies are needed to validate these findings (PMIDs: 27900359 (2016) and 30851065 (2019)). Analysis of this variant using bioinformatics tools for the prediction of the effect of amino acid changes on protein structure and function yielded predictions that this variant is damaging. Based on the available information, we are unable to determine the clinical significance of this variant.

Mayo Clinic Laboratories, Mayo Clinic
Classification: Uncertain significance. Last evaluated: 2020-04-30. Review status: criteria provided, single submitter. Criteria: ACMG Guidelines, 2015. Collection method: clinical testing. Allele origin: germline. Observed: 1 variant allele.

Fulgent Genetics
Classification: Uncertain significance for Familial cancer of breast; Familial prostate cancer; Bone osteosarcoma; CHEK2-related cancer predisposition. Last evaluated: 2018-10-31. Review status: criteria provided, single submitter. Criteria: ACMG Guidelines, 2015. Collection method: clinical testing. Allele origin: unknown.

GeneKor MSA
Classification: Uncertain significance for Hereditary cancer-predisposing syndrome. Last evaluated: 2018-08-01. Review status: criteria provided, single submitter. Criteria: ACMG Guidelines, 2015. Collection method: clinical testing. Allele origin: germline. Affected: yes.